The following is an entry in ClinVar:

NM_001377540.1(SLMAP):c.211G>T (p.Asp71Tyr)

Gene: SLMAP (sarcolemma associated protein; plus strand). Cytogenetic location: 3p14.3.
Variant type: single nucleotide variant.
Coding change: c.211G>T on transcript NM_001377540.1 (MANE Select); coding-DNA position 211, G replaced by T.
Protein change: p.Asp71Tyr; replaces aspartic acid 71 with tyrosine.
Molecular consequence: missense variant. On other transcripts: non-coding transcript variant (1).
Genome position (GRCh38, 1-based): chr3:57,831,395, G>T. VCF-style: chr3-57831395-G-T. GRCh37 (hg19) VCF-style: chr3-57817122-G-T.
Other names: c.211G>T, p.Asp71Tyr (NM_001304420.3, NM_001304421.2, NM_001377538.1 and 17 more transcripts); short protein forms D71Y.
Identifiers: ClinVar variation 950178 (VCV000950178.1), dbSNP rs2093330967, ClinGen allele CA353404067.

ClinVar aggregate classification (germline): Uncertain significance (1 of 4 stars; one submission).

Conditions:
Brugada syndrome. Also called: Sudden unexpected nocturnal death syndrome; Sudden Unexplained Death Syndrome; Sudden Unexplained Nocturnal Death Syndrome (SUNDS); Sudden unexplained nocturnal death syndrome. Identifiers: Orphanet 130, MedGen C1142166, MONDO:0015263.

Submission:

Labcorp Genetics (formerly Invitae), Labcorp
Classification: Uncertain significance for Brugada syndrome. Last evaluated: 2019-05-21. Review status: criteria provided, single submitter. Criteria: Invitae Variant Classification Sherloc (09022015). Collection method: clinical testing. Allele origin: germline.
Comment: This sequence change replaces aspartic acid with tyrosine at codon 71 of the SLMAP protein (p.Asp71Tyr). The aspartic acid residue is highly conserved and there is a large physicochemical difference between aspartic acid and tyrosine. This variant is not present in population databases (ExAC no frequency). This variant has not been reported in the literature in individuals with SLMAP-related disease. Algorithms developed to predict the effect of missense changes on protein structure and function do not agree on the potential impact of this missense change (SIFT: "Deleterious"; PolyPhen-2: "Probably Damaging"; Align-GVGD: "Class C15"). In summary, the available evidence is currently insufficient to determine the role of this variant in disease. Therefore, it has been classified as a Variant of Uncertain Significance.